The following is an entry in ClinVar:

ClinVar aggregate classification (germline): Uncertain significance (1 of 4 stars; one submission).

Conditions:
Hereditary nonpolyposis colorectal neoplasms. Identifiers: MedGen C0009405, MeSH D003123.

Submission:

Labcorp Genetics (formerly Invitae), Labcorp
Classification: Uncertain significance for Hereditary nonpolyposis colorectal neoplasms. Last evaluated: 2021-12-09. Review status: criteria provided, single submitter. Criteria: Invitae Variant Classification Sherloc (09022015). Collection method: clinical testing. Allele origin: germline.
Comment: In summary, the available evidence is currently insufficient to determine the role of this variant in disease. Therefore, it has been classified as a Variant of Uncertain Significance. Algorithms developed to predict the effect of missense changes on protein structure and function are either unavailable or do not agree on the potential impact of this missense change (SIFT: "Not Available"; PolyPhen-2: "Benign"; Align-GVGD: "Not Available"). This variant has not been reported in the literature in individuals affected with MSH6-related conditions. Information on the frequency of this variant in the gnomAD database is not available, as this variant may be reported differently in the database. This sequence change replaces arginine, which is basic and polar, with proline, which is neutral and non-polar, at codon 29 of the MSH6 protein (p.Arg29Pro).

NM_000179.3(MSH6):c.86_87delinsCT (p.Arg29Pro)

Gene: MSH6 (mutS homolog 6; plus strand). Cytogenetic location: 2p16.3.
Variant type: Indel.
Coding change: c.86_87delinsCT on transcript NM_000179.3 (MANE Select); coding-DNA positions 86 to 87, GC replaced by CT.
Protein change: p.Arg29Pro; replaces arginine 29 with proline.
Molecular consequence: missense variant. On other transcripts: 5 prime UTR variant (1).
Genome position (GRCh38, 1-based): chr2:47,783,319-47,783,320, GC replaced by CT. VCF-style: chr2-47783319-GC-CT. GRCh37 (hg19) VCF-style: chr2-48010458-GC-CT.
Other names: c.31_32delGCinsCT, p.Ala11Leu (NM_001406804.1); c.-843_-842delGCinsCT (NM_001406807.1); c.86_87delGCinsCT, p.Arg29Pro (NM_001406808.1, NM_001406809.1, NM_001406813.1 and 8 more transcripts); c.-651_-650delGCinsCT (NM_001406811.1); c.-498_-497delGCinsCT (NM_001406812.1); c.-909_-908delGCinsCT (NM_001406814.1); c.-454_-453delGCinsCT (NM_001406816.1); c.86_87delinsCT, p.Arg29Pro (NM_001281492.2); and 2 more; short protein forms A11L, R29P.
Identifiers: ClinVar variation 2038633 (VCV002038633.4), dbSNP rs2530316259, ClinGen allele CA2580066973.